The following is an entry in ClinVar:

NM_001127208.3(TET2):c.2089C>T (p.Pro697Ser)

Genes: TET2 (tet methylcytosine dioxygenase 2; plus strand), TET2-AS1 (TET2 antisense RNA 1; minus strand). Cytogenetic location: 4q24.
Variant type: single nucleotide variant.
Coding change: c.2089C>T on transcript NM_001127208.3 (MANE Select); coding-DNA position 2089, C replaced by T.
Protein change: p.Pro697Ser; replaces proline 697 with serine.
Molecular consequence: missense variant.
Genome position (GRCh38, 1-based): chr4:105,236,031, C>T. VCF-style: chr4-105236031-C-T. GRCh37 (hg19) VCF-style: chr4-106157188-C-T.
Other names: c.2089C>T, p.Pro697Ser (NM_017628.4); short protein forms P697S.
Identifiers: ClinVar variation 4843494 (VCV004843494.1).
Genomic context (GRCh38, chr4:105,236,031, plus strand): 5'-TGTGGCACTAGATTTCATTTTCAACAAAGAGCAGATTCCCAAACTGAAAAACTTATGTCC[C>T]CAGTGTTGAAACAGCACTTGAATCAACAGGCTTCAGAGACTGAGCCATTTTCAAACTCAC-3'
Protein context (NP_001120680.1, residues 687-707): ADSQTEKLMS[Pro697Ser]VLKQHLNQQA

ClinVar aggregate classification (germline): Uncertain significance (1 of 4 stars; one submission).

Submission:

Ambry Genetics
Classification: Uncertain significance. Last evaluated: 2025-12-27. Review status: criteria provided, single submitter. Criteria: Ambry Variant Classification Scheme 2023. Collection method: clinical testing. Allele origin: germline.
Comment: The p.P697S variant (also known as c.2089C>T), located in coding exon 1 of the TET2 gene, results from a C to T substitution at nucleotide position 2089. The proline at codon 697 is replaced by serine, an amino acid with similar properties. This amino acid position is conserved. In addition, this alteration is predicted to be tolerated by in silico analysis. Based on the available evidence, the clinical significance of this variant remains unclear.